The following is an entry in ClinVar:

NM_206933.4(USH2A):c.2099G>A (p.Gly700Glu)

Gene: USH2A (usherin; minus strand). Cytogenetic location: 1q41.
Variant type: single nucleotide variant.
Coding change: c.2099G>A on transcript NM_206933.4 (MANE Select); coding-DNA position 2099, G replaced by A.
Protein change: p.Gly700Glu; replaces glycine 700 with glutamic acid.
Molecular consequence: missense variant.
Genome position (GRCh38, 1-based): chr1:216,250,971, C>T on the plus strand (G>A on the coding strand, the complement: USH2A is on the minus strand). VCF-style: chr1-216250971-C-T. GRCh37 (hg19) VCF-style: chr1-216424313-C-T.
Other names: c.2099G>A, p.Gly700Glu (NM_007123.6); short protein forms G700E.
Identifiers: ClinVar variation 1956978 (VCV001956978.5), dbSNP rs933860919, ClinGen allele CA344866294.
Genomic context (GRCh38, chr1:216,250,971, plus strand): 5'-TTTGCTTTGCACTTGCACTGGCCTGAATTTTGGTGACAGGTAATATCTCCATCCACTGTC[C>T]CAGAGGTATTGCAGTTACAGGGACTGCAGCCATCAGGATCCAACTCTTGTAGATTGTAGA-3'
Protein context (NP_996816.3, residues 690-710): GCSPCNCNTS[Gly700Glu]TVDGDITCHQ

ClinVar aggregate classification (germline): Uncertain significance (1 of 4 stars; one submission).

gnomAD v4.1: 1 of 1,614,000 alleles (0.000062%); highest among the groups gnomAD compares: Non-Finnish European, 0.000085%; no homozygotes.

Submission:

Labcorp Genetics (formerly Invitae), Labcorp
Classification: Uncertain significance. Last evaluated: 2022-08-16. Review status: criteria provided, single submitter. Criteria: Invitae Variant Classification Sherloc (09022015). Collection method: clinical testing. Allele origin: germline.
Comment: This sequence change replaces glycine, which is neutral and non-polar, with glutamic acid, which is acidic and polar, at codon 700 of the USH2A protein (p.Gly700Glu). This variant is not present in population databases (gnomAD no frequency). In summary, the available evidence is currently insufficient to determine the role of this variant in disease. Therefore, it has been classified as a Variant of Uncertain Significance. Algorithms developed to predict the effect of missense changes on protein structure and function are either unavailable or do not agree on the potential impact of this missense change (SIFT: "Deleterious"; PolyPhen-2: "Probably Damaging"; Align-GVGD: "Class C0"). This variant has not been reported in the literature in individuals affected with USH2A-related conditions.